The following is an entry in ClinVar:

ClinVar aggregate classification (germline): Uncertain significance (1 of 4 stars; one submission).

Conditions:
Long QT syndrome (LQTS). Identifiers: MedGen C0023976, MeSH D008133, MONDO:0002442. Disease mechanism: loss of function. Inheritance: Various modes of inheritance.

Allele frequency attached by ClinVar (database versions not stated): gnomAD exomes below 0.00001.
gnomAD v4.1: 1 of 1,613,832 alleles (0.000062%); highest among the groups gnomAD compares: Non-Finnish European, 0.000085%; no homozygotes.

Submission:

Labcorp Genetics (formerly Invitae), Labcorp
Classification: Uncertain significance for Long QT syndrome. Last evaluated: 2021-09-23. Review status: criteria provided, single submitter. Criteria: Invitae Variant Classification Sherloc (09022015). Collection method: clinical testing. Allele origin: germline.
Comment: This sequence change creates a premature translational stop signal (p.Glu1997*) in the CACNA1C gene. It is expected to result in an absent or disrupted protein product. However, the current clinical and genetic evidence is not sufficient to establish whether loss-of-function variants in CACNA1C cause disease. This variant is not present in population databases (ExAC no frequency). This variant has not been reported in the literature in individuals affected with CACNA1C-related conditions. In summary, the available evidence is currently insufficient to determine the role of this variant in disease. Therefore, it has been classified as a Variant of Uncertain Significance.

NM_000719.7(CACNA1C):c.5989G>T (p.Glu1997Ter)

Genes: CACNA1C (calcium voltage-gated channel subunit alpha1 C; plus strand), CACNA1C-AS1 (CACNA1C antisense RNA 1; minus strand). Cytogenetic location: 12p13.33.
Variant type: single nucleotide variant.
Coding change: c.5989G>T on transcript NM_000719.7 (MANE Select); coding-DNA position 5989, G replaced by T.
Protein change: p.Glu1997Ter; replaces glutamic acid 1997 with a stop codon.
Molecular consequence: nonsense.
Genome position (GRCh38, 1-based): chr12:2,688,651, G>T. VCF-style: chr12-2688651-G-T. GRCh37 (hg19) VCF-style: chr12-2797817-G-T.
Other names: c.6133G>T, p.Glu2045Ter (NM_001129827.2); c.6112G>T, p.Glu2038Ter (NM_001129829.2); c.6094G>T, p.Glu2032Ter (NM_001129830.3, NM_001167624.3); c.6073G>T, p.Glu2025Ter (NM_001129831.2); c.6049G>T, p.Glu2017Ter (NM_001129832.2); c.6046G>T, p.Glu2016Ter (NM_001129833.2, NM_001129834.2, NM_001129835.2); c.6040G>T, p.Glu2014Ter (NM_001129836.2); c.6013G>T, p.Glu2005Ter (NM_001129837.2, NM_001129838.2); and 6 more; short protein forms E2016*, E2080*, E1997*, E2005*, E2014*, E1994*, E2017*, E2025*.
Identifiers: ClinVar variation 1369827 (VCV001369827.8), dbSNP rs1556309883, ClinGen allele CA383385005.
Genomic context (GRCh38, chr12:2,688,651, plus strand): 5'-GTCGAGTCCAGTGAGAAACTCAACAGCAGCTTCCCATCCATCCACTGCGGCTCCTGGGCT[G>T]AGACCACCCCCGGTGGCGGGGGCAGCAGCGCCGCCCGGAGAGTCCGGCCCGTCTCCCTCA-3'